The following is an entry in ClinVar:

NM_000163.5(GHR):c.1848G>C (p.Leu616Phe)

Gene: GHR (growth hormone receptor; plus strand). Cytogenetic location: 5p12.
Variant type: single nucleotide variant.
Coding change: c.1848G>C on transcript NM_000163.5 (MANE Select); coding-DNA position 1848, G replaced by C.
Protein change: p.Leu616Phe; replaces leucine 616 with phenylalanine.
Molecular consequence: missense variant. On other transcripts: 3 prime UTR variant (1).
Genome position (GRCh38, 1-based): chr5:42,719,355, G>C. VCF-style: chr5-42719355-G-C. GRCh37 (hg19) VCF-style: chr5-42719457-G-C.
Other names: c.1869G>C, p.Leu623Phe (NM_001242399.2); c.1848G>C, p.Leu616Phe (NM_001242400.2, NM_001242401.4, NM_001242402.2 and 4 more transcripts); c.1782G>C, p.Leu594Phe (NM_001242460.2); c.*890G>C (NM_001242462.1); short protein forms L594F, L616F, L623F.
Identifiers: ClinVar variation 2998900 (VCV002998900.3), dbSNP rs2530784544, ClinGen allele CA359631113.

ClinVar aggregate classification (germline): Uncertain significance (1 of 4 stars; one submission).

gnomAD v4.1: 4 of 1,614,036 alleles (0.00025%); highest among the groups gnomAD compares: Non-Finnish European, 0.00034%; no homozygotes.

Submission:

Labcorp Genetics (formerly Invitae), Labcorp
Classification: Uncertain significance. Last evaluated: 2023-10-23. Review status: criteria provided, single submitter. Criteria: Invitae Variant Classification Sherloc (09022015). Collection method: clinical testing. Allele origin: germline.
Comment: This sequence change replaces leucine, which is neutral and non-polar, with phenylalanine, which is neutral and non-polar, at codon 616 of the GHR protein (p.Leu616Phe). This variant is not present in population databases (gnomAD no frequency). This variant has not been reported in the literature in individuals affected with GHR-related conditions. Advanced modeling of protein sequence and biophysical properties (such as structural, functional, and spatial information, amino acid conservation, physicochemical variation, residue mobility, and thermodynamic stability) performed at Invitae indicates that this missense variant is not expected to disrupt GHR protein function with a negative predictive value of 80%. In summary, the available evidence is currently insufficient to determine the role of this variant in disease. Therefore, it has been classified as a Variant of Uncertain Significance.